The following is an entry in ClinVar:

NM_000492.4(CFTR):c.2490+4_2490+7del

Gene: CFTR (CF transmembrane conductance regulator; plus strand). Cytogenetic location: 7q31.2.
Variant type: Microsatellite.
Coding change: c.2490+4_2490+7del on transcript NM_000492.4 (MANE Select); bases 4 to 7 of the intron after coding-DNA position 2490, 4 bases deleted (GGTA; older notation c.2490+4_2490+7delGGTA).
Molecular consequence: splice donor variant.
Genome position (GRCh38, 1-based): chr7:117,592,661-117,592,664, GGTA deleted; deleting any 4 consecutive bases within chr7:117,592,656-117,592,664 gives the same sequence; the c. name uses the placement nearest the transcript's 3' end. VCF-style (leftmost placement, unchanged base first): chr7-117592655-AAGGT-A. GRCh37 (hg19) VCF-style: chr7-117232709-AAGGT-A.
Identifiers: ClinVar variation 1792057 (VCV001792057.2), dbSNP rs775790346, ClinGen allele CA4451189.

ClinVar aggregate classification (germline): Uncertain significance (1 of 4 stars; one submission).

Conditions:
Cystic fibrosis (CF). Also called: MUCOVISCIDOSIS. Identifiers: Orphanet 586, MedGen C0010674, MONDO:0009061, OMIM 219700. Disease mechanism: loss of function.

Submission:

Ambry Genetics
Classification: Uncertain significance for Cystic fibrosis. Last evaluated: 2022-02-04. Review status: criteria provided, single submitter. Criteria: Ambry Variant Classification Scheme 2023. Collection method: clinical testing. Allele origin: germline.
Comment: The c.2490+4_2490+7delGGTA intronic variant, located in intron 14 of the CFTR gene, results from a deletion of 4 nucleotides within intron 14 of the CFTR gene. This nucleotide region is not well conserved in available vertebrate species. In silico splice site analysis predicts that this alteration will not have any significant effect on splicing. Since supporting evidence is limited at this time, the clinical significance of this alteration remains unclear.